The following is an entry in ClinVar:

NM_001104631.2(PDE4D):c.1589T>C (p.Val530Ala)

Gene: PDE4D (phosphodiesterase 4D; minus strand). Cytogenetic location: 5q11.2.
Variant type: single nucleotide variant.
Coding change: c.1589T>C on transcript NM_001104631.2 (MANE Select); coding-DNA position 1589, T replaced by C.
Protein change: p.Val530Ala; replaces valine 530 with alanine.
Molecular consequence: missense variant.
Genome position (GRCh38, 1-based): chr5:58,977,309, A>G on the plus strand (T>C on the coding strand, the complement: PDE4D is on the minus strand). VCF-style: chr5-58977309-A-G. GRCh37 (hg19) VCF-style: chr5-58273136-A-G.
Other names: c.1406T>C, p.Val469Ala (NM_001165899.2, NM_001364599.1); c.1397T>C, p.Val466Ala (NM_001197218.2); c.1223T>C, p.Val408Ala (NM_001197219.2); c.1199T>C, p.Val400Ala (NM_001197220.2); c.683T>C, p.Val228Ala (NM_001197221.2, NM_001364603.1); c.917T>C, p.Val306Ala (NM_001197222.2); c.716T>C, p.Val239Ala (NM_001197223.2); c.1376T>C, p.Val459Ala (NM_001349241.2); and 3 more; short protein forms V408A, V459A, V239A, V274A, V466A, V530A, V228A, V306A.
Identifiers: ClinVar variation 2030736 (VCV002030736.4), dbSNP rs2479179247, ClinGen allele CA359815711.

ClinVar aggregate classification (germline): Uncertain significance (1 of 4 stars; one submission).

Submission:

Labcorp Genetics (formerly Invitae), Labcorp
Classification: Uncertain significance. Last evaluated: 2022-09-15. Review status: criteria provided, single submitter. Criteria: Invitae Variant Classification Sherloc (09022015). Collection method: clinical testing. Allele origin: germline.
Comment: This variant has not been reported in the literature in individuals affected with PDE4D-related conditions. This sequence change replaces valine, which is neutral and non-polar, with alanine, which is neutral and non-polar, at codon 530 of the PDE4D protein (p.Val530Ala). This variant is not present in population databases (gnomAD no frequency). Advanced modeling of protein sequence and biophysical properties (such as structural, functional, and spatial information, amino acid conservation, physicochemical variation, residue mobility, and thermodynamic stability) performed at Invitae indicates that this missense variant is expected to disrupt PDE4D protein function. In summary, the available evidence is currently insufficient to determine the role of this variant in disease. Therefore, it has been classified as a Variant of Uncertain Significance.